The following is an entry in ClinVar:

NM_000153.4(GALC):c.1657G>A (p.Gly553Arg)

Gene: GALC (galactosylceramidase; minus strand). Cytogenetic location: 14q31.3.
Variant type: single nucleotide variant.
Coding change: c.1657G>A on transcript NM_000153.4 (MANE Select); coding-DNA position 1657, G replaced by A.
Protein change: p.Gly553Arg; replaces glycine 553 with arginine.
Molecular consequence: missense variant.
Genome position (GRCh38, 1-based): chr14:87,945,566, C>T on the plus strand (G>A on the coding strand, the complement: GALC is on the minus strand). VCF-style: chr14-87945566-C-T. GRCh37 (hg19) VCF-style: chr14-88411910-C-T.
Other names: c.1588G>A, p.Gly530Arg (NM_001201401.2); c.1579G>A, p.Gly527Arg (NM_001201402.2); short protein forms G553R, G530R, G527R.
Identifiers: ClinVar variation 189113 (VCV000189113.27), dbSNP rs748573754, ClinGen allele CA274392.

ClinVar aggregate classification (germline): Pathogenic. Review status: criteria provided, multiple submitters, no conflicts (2 of 4 stars). 8 submissions from 8 submitters: Pathogenic (6). 2 of the submissions do not count toward it. Last evaluated 2025-04-14.

Conditions:
Galactosylceramide beta-galactosidase deficiency. Also called: GALACTOCEREBROSIDASE DEFICIENCY; GALC DEFICIENCY; GLOBOID CELL LEUKOENCEPHALOPATHY; Leukodystrophy, Globoid Cell; Krabbe Disease. Identifiers: Orphanet 487, MedGen C0023521, MONDO:0009499, OMIM 245200.

Allele frequency attached by ClinVar (database versions not stated): gnomAD exomes below 0.00001 and 0.00001; ExAC 0.00001.
gnomAD v4.1: 6 of 1,601,522 alleles (0.00037%); highest among the groups gnomAD compares: Non-Finnish European, 0.00051%; no homozygotes.

Submissions (8):

Natera, Inc.
Classification: Pathogenic for Galactosylceramide beta-galactosidase deficiency. Last evaluated: 2025-04-14. Review status: criteria provided, single submitter. Criteria: Natera Variant Classification Schema (03/2026). Collection method: clinical testing. Allele origin: germline.
Comment: The c.1657G>A variant in GALC is a missense variant predicted to cause substitution of glycine to arginine at amino acid 553. This variant is rare in the general population with a frequency below the threshold expected for the associated phenotype(s). This variant has been observed in one or more individuals affected with the associated recessive disease, as either homozygous or compound heterozygous with a second variant (PMID: 20886637). Given the available evidence, this variant is classified as Pathogenic.

Labcorp Genetics (formerly Invitae), Labcorp
Classification: Pathogenic for Galactosylceramide beta-galactosidase deficiency. Last evaluated: 2023-11-05. Review status: criteria provided, single submitter. Criteria: Invitae Variant Classification Sherloc (09022015). Collection method: clinical testing. Allele origin: germline.
Comment: This sequence change replaces glycine, which is neutral and non-polar, with arginine, which is basic and polar, at codon 553 of the GALC protein (p.Gly553Arg). This variant is present in population databases (rs748573754, gnomAD 0.002%). This missense change has been observed in individual(s) with Krabbe disease (PMID: 10477434, 20886637). This variant is also known as c.1609G>A (p.Gly537Arg). ClinVar contains an entry for this variant (Variation ID: 189113). Advanced modeling of protein sequence and biophysical properties (such as structural, functional, and spatial information, amino acid conservation, physicochemical variation, residue mobility, and thermodynamic stability) performed at Invitae indicates that this missense variant is expected to disrupt GALC protein function with a positive predictive value of 95%. Experimental studies have shown that this missense change affects GALC function (PMID: 10477434, 27638593). For these reasons, this variant has been classified as Pathogenic.

Department of Pathology and Laboratory Medicine, Sinai Health System
Classification: Pathogenic for Galactosylceramide beta-galactosidase deficiency. Last evaluated: 2022-11-01. Review status: criteria provided, single submitter. Criteria: ACMG Guidelines, 2015. Collection method: research. Allele origin: germline.

Revvity Omics, Revvity
Classification: Pathogenic. Last evaluated: 2022-08-26. Review status: criteria provided, single submitter. Criteria: ACMG Guidelines, 2015. Collection method: clinical testing. Allele origin: germline.

Fulgent Genetics
Classification: Pathogenic for Galactosylceramide beta-galactosidase deficiency. Last evaluated: 2022-03-08. Review status: criteria provided, single submitter. Criteria: ACMG Guidelines, 2015. Collection method: clinical testing. Allele origin: unknown.

Women's Health and Genetics/Laboratory Corporation of America, LabCorp
Classification: Pathogenic for Galactosylceramide beta-galactosidase deficiency. Last evaluated: 2020-10-02. Review status: criteria provided, single submitter. Criteria: LabCorp Variant Classification Summary - May 2015. Collection method: clinical testing. Allele origin: germline.
Comment: Variant summary: GALC c.1657G>A (p.Gly553Arg) results in a non-conservative amino acid change in the encoded protein sequence. Five of five in-silico tools predict a damaging effect of the variant on protein function. The variant allele was found at a frequency of 8e-06 in 248898 control chromosomes. c.1657G>A has been reported in the literature in multiple individuals affected with Krabbe Disease (example, DeGasperi_1999, Tappino_2010). These data indicate that the variant is very likely to be associated with disease. At least one publication reports experimental evidence evaluating an impact on protein function. The most pronounced variant effect results in <10% of normal GALC activity in an in-vitro assay (De Gasperi_1999). One clinical diagnostic laboratory has submitted clinical-significance assessments for this variant to ClinVar after 2014 without evidence for independent evaluation and classified the variant as pathogenic. Based on the evidence outlined above, the variant was classified as pathogenic.

Counsyl
Classification: Likely pathogenic for Galactosylceramide beta-galactosidase deficiency. Last evaluated: 2014-12-31. Review status: no assertion criteria provided. Collection method: literature only. Allele origin: unknown. Inheritance: Autosomal recessive inheritance. Not counted in ClinVar's aggregate classification.

OMIM
Classification: Pathogenic for KRABBE DISEASE. Last evaluated: 2010-12-01. Review status: no assertion criteria provided. Collection method: literature only. Allele origin: germline. Not counted in ClinVar's aggregate classification.

Literature cited by the submitters: PubMed 20886637 (cited by 5 submitters); PubMed 10477434 (cited by 3 submitters); PubMed 27638593 (cited by Labcorp Genetics (formerly Invitae), Labcorp and Women's Health and Genetics/Laboratory Corporation of America, LabCorp); PubMed 24913062 (cited by Counsyl); PubMed 23138179 (cited by Counsyl).